The following is an entry in ClinVar:

ClinVar aggregate classification (germline): Uncertain significance. Review status: criteria provided, multiple submitters, no conflicts (2 of 4 stars). 4 submissions from 4 submitters: Uncertain significance (4). Last evaluated 2024-08-30.

Conditions:
Cardiovascular phenotype. Identifiers: MedGen CN230736.
Desmin-related myofibrillar myopathy (MFM1). Also called: Desminopathy; MYOFIBRILLAR MYOPATHY WITH ARRHYTHMOGENIC RIGHT VENTRICULAR CARDIOMYOPATHY; DESMIN-RELATED MYOPATHY WITH ARRHYTHMOGENIC RIGHT VENTRICULAR CARDIOMYOPATHY; Myofibrillar myopathy 1; Desmin related myopathy (former name); Desmin storage myopathy (former name). Identifiers: Orphanet 363543, Orphanet 98909, MedGen C1832370, MONDO:0011076, OMIM 601419.

Submissions (4):

Revvity Omics, Revvity
Classification: Uncertain significance. Last evaluated: 2024-08-30. Review status: criteria provided, single submitter. Criteria: ACMG Guidelines, 2015. Collection method: clinical testing. Allele origin: germline.

Ambry Genetics
Classification: Uncertain significance for Cardiovascular phenotype. Last evaluated: 2024-04-10. Review status: criteria provided, single submitter. Criteria: Ambry Variant Classification Scheme 2023. Collection method: clinical testing. Allele origin: germline.
Comment: The p.D455V variant (also known as c.1364A>T), located in coding exon 8 of the DES gene, results from an A to T substitution at nucleotide position 1364. The aspartic acid at codon 455 is replaced by valine, an amino acid with highly dissimilar properties. This variant has been reported in a hypertrophic cardiomyopathy cohort, but clinical details were limited (Thomson KL et al. Genet Med, 2019 Jul;21:1576-1584). This amino acid position is highly conserved in available vertebrate species. In addition, this alteration is predicted to be deleterious by in silico analysis. Based on the available evidence, the clinical significance of this variant remains unclear.

Labcorp Genetics (formerly Invitae), Labcorp
Classification: Uncertain significance for Desmin-related myofibrillar myopathy. Last evaluated: 2023-08-14. Review status: criteria provided, single submitter. Criteria: Invitae Variant Classification Sherloc (09022015). Collection method: clinical testing. Allele origin: germline.
Comment: This sequence change replaces aspartic acid, which is acidic and polar, with valine, which is neutral and non-polar, at codon 455 of the DES protein (p.Asp455Val). This variant is not present in population databases (gnomAD no frequency). This variant has not been reported in the literature in individuals affected with DES-related conditions. ClinVar contains an entry for this variant (Variation ID: 1315172). Advanced modeling of protein sequence and biophysical properties (such as structural, functional, and spatial information, amino acid conservation, physicochemical variation, residue mobility, and thermodynamic stability) has been performed at Invitae for this missense variant, however the output from this modeling did not meet the statistical confidence thresholds required to predict the impact of this variant on DES protein function. In summary, the available evidence is currently insufficient to determine the role of this variant in disease. Therefore, it has been classified as a Variant of Uncertain Significance.

GeneDx
Classification: Uncertain significance. Last evaluated: 2020-01-30. Review status: criteria provided, single submitter. Criteria: GeneDx Variant Classification Process June 2021. Collection method: clinical testing. Allele origin: germline. Affected: yes.
Comment: Has not been previously published as pathogenic or benign to our knowledge; Not observed in large population cohorts (Lek et al., 2016); In silico analysis, which includes protein predictors and evolutionary conservation, supports a deleterious effect

Literature cited by the submitters: PubMed 30531895 (cited by Ambry Genetics).

NM_001927.4(DES):c.1364A>T (p.Asp455Val)

Gene: DES (desmin; plus strand). Cytogenetic location: 2q35.
Variant type: single nucleotide variant.
Coding change: c.1364A>T on transcript NM_001927.4 (MANE Select); coding-DNA position 1364, A replaced by T.
Protein change: p.Asp455Val; replaces aspartic acid 455 with valine.
Molecular consequence: missense variant.
Genome position (GRCh38, 1-based): chr2:219,425,738, A>T. VCF-style: chr2-219425738-A-T. GRCh37 (hg19) VCF-style: chr2-220290460-A-T.
Other names: c.1361A>T, p.Asp454Val (NM_001382708.1); c.932A>T, p.Asp311Val (NM_001382709.1); c.1295A>T, p.Asp432Val (NM_001382710.1); c.1343A>T, p.Asp448Val (NM_001382711.1); c.1364A>T, p.Asp455Val (NM_001382712.1); c.1094A>T, p.Asp365Val (NM_001382713.1); short protein forms D311V, D365V, D432V, D448V, D454V, D455V.
Identifiers: ClinVar variation 1315172 (VCV001315172.8), dbSNP rs2125172066, ClinGen allele CA16622112.